The following is an entry in ClinVar:

NM_000282.4(PCCA):c.929C>T (p.Ala310Val)

Gene: PCCA (propionyl-CoA carboxylase subunit alpha; plus strand). Cytogenetic location: 13q32.3.
Variant type: single nucleotide variant.
Coding change: c.929C>T on transcript NM_000282.4 (MANE Select); coding-DNA position 929, C replaced by T.
Protein change: p.Ala310Val; replaces alanine 310 with valine.
Molecular consequence: missense variant. On other transcripts: 5 prime UTR variant (3), non-coding transcript variant (5).
Genome position (GRCh38, 1-based): chr13:100,273,210, C>T. VCF-style: chr13-100273210-C-T. GRCh37 (hg19) VCF-style: chr13-100925464-C-T.
Other names: c.851C>T, p.Ala284Val (NM_001127692.3, NM_001352607.2, NM_001352608.2); c.929C>T, p.Ala310Val (NM_001178004.2, NM_001352605.2, NM_001352606.2 and 1 more transcripts); c.-17C>T (NM_001352610.2, NM_001352611.2, NM_001352612.2); short protein forms A310V, A284V.
Identifiers: ClinVar variation 573583 (VCV000573583.6), dbSNP rs146927771, ClinGen allele CA7033457.
Genomic context (GRCh38, chr13:100,273,210, plus strand): 5'-TTGATTTTTGTCCGAAATGTAGACAAACATTTTTTTGTATATGTAGCATTTTTTTGGATG[C>T]GGAGACTCGAAGAGCGATGGGAGAACAAGCTGTAGCTCTTGCCAGAGCAGTAAAATATTC-3'
Protein context (NP_000273.2, residues 300-320): VEEAPSIFLD[Ala310Val]ETRRAMGEQA

ClinVar aggregate classification (germline): Uncertain significance. Review status: criteria provided, multiple submitters, no conflicts (2 of 4 stars). 3 submissions from 3 submitters: Uncertain significance (2). 1 of the submissions does not count toward it. Last evaluated 2022-09-12.

Conditions:
Inborn genetic diseases. Identifiers: MedGen C0950123, MeSH D030342.
Propionic acidemia (PROP). Also called: GLYCINEMIA, KETOTIC; HYPERGLYCINEMIA WITH KETOACIDOSIS AND LEUKOPENIA; KETOTIC HYPERGLYCINEMIA. Identifiers: Orphanet 35, MedGen C0268579, MONDO:0011628, OMIM 606054, HP:0003571.

Allele frequency attached by ClinVar (database versions not stated): TOPMed 0.00008.
gnomAD v4.1: 101 of 1,612,502 alleles (0.0063%); highest among the groups gnomAD compares: Non-Finnish European, 0.008%; no homozygotes.

Submissions (3):

Labcorp Genetics (formerly Invitae), Labcorp
Classification: Uncertain significance for Propionic acidemia. Last evaluated: 2022-09-12. Review status: criteria provided, single submitter. Criteria: Invitae Variant Classification Sherloc (09022015). Collection method: clinical testing. Allele origin: germline.
Comment: This sequence change replaces alanine, which is neutral and non-polar, with valine, which is neutral and non-polar, at codon 310 of the PCCA protein (p.Ala310Val). This variant is present in population databases (rs146927771, gnomAD 0.01%). This missense change has been observed in individual(s) with a positive newborn screening result for PCCA-related disease (Invitae). ClinVar contains an entry for this variant (Variation ID: 573583). Algorithms developed to predict the effect of missense changes on protein structure and function (SIFT, PolyPhen-2, Align-GVGD) all suggest that this variant is likely to be tolerated. In summary, the available evidence is currently insufficient to determine the role of this variant in disease. Therefore, it has been classified as a Variant of Uncertain Significance.

Ambry Genetics
Classification: Uncertain significance for Inborn genetic diseases. Last evaluated: 2022-05-31. Review status: criteria provided, single submitter. Criteria: Ambry Variant Classification Scheme 2023. Collection method: clinical testing. Allele origin: germline.

Natera, Inc.
Classification: Uncertain significance for Propionic acidemia. Last evaluated: 2020-04-17. Review status: no assertion criteria provided. Collection method: clinical testing. Allele origin: germline. Not counted in ClinVar's aggregate classification.